The following is an entry in ClinVar:

ClinVar aggregate classification (germline): Uncertain significance (1 of 4 stars; one submission).

Submission:

GeneDx
Classification: Uncertain significance. Last evaluated: 2022-11-30. Review status: criteria provided, single submitter. Criteria: GeneDx Variant Classification Process June 2021. Collection method: clinical testing. Allele origin: germline. Affected: yes.
Comment: Not observed at significant frequency in large population cohorts (gnomAD); Missense variants in this gene are often considered pathogenic (HGMD); In silico analysis supports that this missense variant does not alter protein structure/function; Has not been previously published as pathogenic or benign to our knowledge; This substitution is predicted to be within the transmembrane segment S2 of the fourth homologous domain

NM_001330260.2(SCN8A):c.4664A>T (p.Tyr1555Phe)

Gene: SCN8A (sodium voltage-gated channel alpha subunit 8; plus strand). Cytogenetic location: 12q13.13.
Variant type: single nucleotide variant.
Coding change: c.4664A>T on transcript NM_001330260.2 (MANE Select); coding-DNA position 4664, A replaced by T.
Protein change: p.Tyr1555Phe; replaces tyrosine 1555 with phenylalanine.
Molecular consequence: missense variant.
Genome position (GRCh38, 1-based): chr12:51,794,510, A>T. VCF-style: chr12-51794510-A-T. GRCh37 (hg19) VCF-style: chr12-52188294-A-T.
Other names: c.4541A>T, p.Tyr1514Phe (NM_001177984.3, NM_001369788.1); c.4664A>T, p.Tyr1555Phe (NM_014191.4); short protein forms Y1514F, Y1555F.
Identifiers: ClinVar variation 2504399 (VCV002504399.1), dbSNP rs2540315690, ClinGen allele CA384879080.